The following is an entry in ClinVar:

NM_033004.4(NLRP1):c.1736T>A (p.Ile579Asn)

Gene: NLRP1 (NLR family pyrin domain containing 1; minus strand). Cytogenetic location: 17p13.2.
Variant type: single nucleotide variant.
Coding change: c.1736T>A on transcript NM_033004.4 (MANE Select); coding-DNA position 1736, T replaced by A.
Protein change: p.Ile579Asn; replaces isoleucine 579 with asparagine.
Molecular consequence: missense variant.
Genome position (GRCh38, 1-based): chr17:5,558,960, A>T on the plus strand (T>A on the coding strand, the complement: NLRP1 is on the minus strand). VCF-style: chr17-5558960-A-T. GRCh37 (hg19) VCF-style: chr17-5462280-A-T.
Other names: c.1736T>A, p.Ile579Asn (NM_001033053.3, NM_014922.5, NM_033006.4 and 1 more transcripts); short protein forms I579N.
Identifiers: ClinVar variation 4823482 (VCV004823482.4).

ClinVar aggregate classification (germline): Uncertain significance (1 of 4 stars; one submission).

Submission:

CeGaT Center for Human Genetics Tuebingen
Classification: Uncertain significance. Last evaluated: 2026-02-01. Review status: criteria provided, single submitter. Criteria: CeGaT Center For Human Genetics Tuebingen Variant Classification Criteria Version 2. Collection method: clinical testing. Allele origin: germline. Affected: yes. Observed: 1 variant allele.
Comment: NLRP1: PM2, BP4